The following is an entry in ClinVar:

NM_030958.3(SLCO5A1):c.338T>C (p.Met113Thr)

Gene: SLCO5A1 (solute carrier organic anion transporter family member 5A1; minus strand). Cytogenetic location: 8q13.3.
Variant type: single nucleotide variant.
Coding change: c.338T>C on transcript NM_030958.3 (MANE Select); coding-DNA position 338, T replaced by C.
Protein change: p.Met113Thr; replaces methionine 113 with threonine.
Molecular consequence: missense variant.
Genome position (GRCh38, 1-based): chr8:69,832,336, A>G on the plus strand (T>C on the coding strand, the complement: SLCO5A1 is on the minus strand). VCF-style: chr8-69832336-A-G. GRCh37 (hg19) VCF-style: chr8-70744571-A-G.
Other names: c.338T>C, p.Met113Thr (NM_001146008.2, NM_001146009.1); short protein forms M113T.
Identifiers: ClinVar variation 2980970 (VCV002980970.3), dbSNP rs757704390, ClinGen allele CA178881353.

ClinVar aggregate classification (germline): Uncertain significance (1 of 4 stars; one submission).

Allele frequency attached by ClinVar (database versions not stated): gnomAD exomes below 0.00001.

Submission:

Labcorp Genetics (formerly Invitae), Labcorp
Classification: Uncertain significance. Last evaluated: 2024-05-21. Review status: criteria provided, single submitter. Criteria: Invitae Variant Classification Sherloc (09022015). Collection method: clinical testing. Allele origin: germline.
Comment: This sequence change replaces methionine, which is neutral and non-polar, with threonine, which is neutral and polar, at codon 113 of the SLCO5A1 protein (p.Met113Thr). This variant is present in population databases (rs757704390, gnomAD 0.0009%). This variant has not been reported in the literature in individuals affected with SLCO5A1-related conditions. Algorithms developed to predict the effect of missense changes on protein structure and function output the following: SIFT: "Not Available"; PolyPhen-2: "Benign"; Align-GVGD: "Not Available". The threonine amino acid residue is found in multiple mammalian species, which suggests that this missense change does not adversely affect protein function. In summary, the available evidence is currently insufficient to determine the role of this variant in disease. Therefore, it has been classified as a Variant of Uncertain Significance.